The following is an entry in ClinVar:

NM_004068.4(AP2M1):c.301A>G (p.Ile101Val)

Gene: AP2M1 (adaptor related protein complex 2 subunit mu 1; plus strand). Cytogenetic location: 3q27.1.
Variant type: single nucleotide variant.
Coding change: c.301A>G on transcript NM_004068.4 (MANE Select); coding-DNA position 301, A replaced by G.
Protein change: p.Ile101Val; replaces isoleucine 101 with valine.
Molecular consequence: missense variant.
Genome position (GRCh38, 1-based): chr3:184,179,083, A>G. VCF-style: chr3-184179083-A-G. GRCh37 (hg19) VCF-style: chr3-183896871-A-G.
Other names: c.301A>G, p.Ile101Val (NM_001025205.2); c.376A>G, p.Ile126Val (NM_001311198.2); short protein forms I101V, I126V.
Identifiers: ClinVar variation 1523778 (VCV001523778.6), dbSNP rs2109029680, ClinGen allele CA355421996.

ClinVar aggregate classification (germline): Uncertain significance (1 of 4 stars; one submission).

Allele frequency attached by ClinVar (database versions not stated): 1000 Genomes Project 30x 0.00016.

Submission:

Labcorp Genetics (formerly Invitae), Labcorp
Classification: Uncertain significance. Last evaluated: 2022-01-10. Review status: criteria provided, single submitter. Criteria: Invitae Variant Classification Sherloc (09022015). Collection method: clinical testing. Allele origin: germline.
Comment: Algorithms developed to predict the effect of missense changes on protein structure and function (SIFT, PolyPhen-2, Align-GVGD) all suggest that this variant is likely to be tolerated. This sequence change replaces isoleucine, which is neutral and non-polar, with valine, which is neutral and non-polar, at codon 101 of the AP2M1 protein (p.Ile101Val). This variant is not present in population databases (gnomAD no frequency). This variant has not been reported in the literature in individuals affected with AP2M1-related conditions. In summary, the available evidence is currently insufficient to determine the role of this variant in disease. Therefore, it has been classified as a Variant of Uncertain Significance.